The following is an entry in ClinVar:

ClinVar aggregate classification (germline): Uncertain significance (1 of 4 stars; one submission).

Conditions:
Muscular dystrophy-dystroglycanopathy (congenital with brain and eye anomalies), type a, 11 (MDDGA11). Also called: WALKER-WARBURG SYNDROME OR MUSCLE-EYE-BRAIN DISEASE, B3GALNT2-RELATED; Congenital muscular dystrophy-dystroglycanopathy with brain and eye anomalies, type A11; Muscular dystrophy-dystroglycanopathy (congenital with brain and eye anomalies, type A, 11. Identifiers: Orphanet 588, Orphanet 899, MedGen C3554638, MONDO:0014071, OMIM 615181.

gnomAD v4.1: 4 of 1,614,202 alleles (0.00025%); highest among the groups gnomAD compares: Non-Finnish European, 0.00034%; no homozygotes.

Submission:

Labcorp Genetics (formerly Invitae), Labcorp
Classification: Uncertain significance for Muscular dystrophy-dystroglycanopathy (congenital with brain and eye anomalies), type a, 11. Last evaluated: 2022-08-09. Review status: criteria provided, single submitter. Criteria: Invitae Variant Classification Sherloc (09022015). Collection method: clinical testing. Allele origin: germline.
Comment: This sequence change replaces serine, which is neutral and polar, with arginine, which is basic and polar, at codon 146 of the B3GALNT2 protein (p.Ser146Arg). This variant is not present in population databases (gnomAD no frequency). This variant has not been reported in the literature in individuals affected with B3GALNT2-related conditions. ClinVar contains an entry for this variant (Variation ID: 852922). Algorithms developed to predict the effect of missense changes on protein structure and function are either unavailable or do not agree on the potential impact of this missense change (SIFT: "Deleterious"; PolyPhen-2: "Benign"; Align-GVGD: "Class C0"). In summary, the available evidence is currently insufficient to determine the role of this variant in disease. Therefore, it has been classified as a Variant of Uncertain Significance.

NM_152490.5(B3GALNT2):c.436A>C (p.Ser146Arg)

Gene: B3GALNT2 (beta-1,3-N-acetylgalactosaminyltransferase 2; minus strand). Cytogenetic location: 1q42.3.
Variant type: single nucleotide variant.
Coding change: c.436A>C on transcript NM_152490.5 (MANE Select); coding-DNA position 436, A replaced by C.
Protein change: p.Ser146Arg; replaces serine 146 with arginine.
Molecular consequence: missense variant.
Genome position (GRCh38, 1-based): chr1:235,484,441, T>G on the plus strand (A>C on the coding strand, the complement: B3GALNT2 is on the minus strand). VCF-style: chr1-235484441-T-G. GRCh37 (hg19) VCF-style: chr1-235647757-T-G.
Other names: c.559A>C, p.Ser187Arg (NM_001277155.3); short protein forms S146R, S187R.
Identifiers: ClinVar variation 852922 (VCV000852922.4), dbSNP rs1684704587, ClinGen allele CA344925310.